The following is an entry in ClinVar:

ClinVar aggregate classification (germline): Benign. Review status: criteria provided, multiple submitters, no conflicts (2 of 4 stars). 2 submissions from 2 submitters: Benign (2). Last evaluated 2021-04-15.

Conditions:
Arthrogryposis, distal, type 1B. Identifiers: Orphanet 1146, MedGen C3280526, MONDO:0013698, OMIM 614335.

Allele frequency attached by ClinVar (database versions not stated): 1000 Genomes Project 30x 0.01077; TOPMed 0.00226; gnomAD exomes 0.00135 and 0.00453; gnomAD 0.00146 and 0.00184; ExAC 0.00395; 1000 Genomes Project 0.01018.
gnomAD v4.1: 2,409 of 1,580,218 alleles (0.15%); highest among the groups gnomAD compares: East Asian, 4.5%; 73 homozygotes.

Submissions (2):

GeneDx
Classification: Benign. Last evaluated: 2021-04-15. Review status: criteria provided, single submitter. Criteria: GeneDx Variant Classification Process June 2021. Collection method: clinical testing. Allele origin: germline. Affected: yes.

Illumina Laboratory Services, Illumina
Classification: Benign for Arthrogryposis, distal, type 1B. Last evaluated: 2018-01-12. Review status: criteria provided, single submitter. Criteria: ICSL Variant Classification Criteria 13 December 2019. Collection method: clinical testing. Allele origin: germline.
Comment: This variant was observed in the ICSL laboratory as part of a predisposition screen in an ostensibly healthy population. It had not been previously curated by ICSL or reported in the Human Gene Mutation Database (HGMD: prior to June 1st, 2018), and was therefore a candidate for classification through an automated scoring system. Utilizing variant allele frequency, disease prevalence and penetrance estimates, and inheritance mode, an automated score was calculated to assess if this variant is too frequent to cause the disease. Based on the score and internal cut-off values, a variant classified as benign is not then subjected to further curation. The score for this variant resulted in a classification of benign for this disease.

NM_002465.4(MYBPC1):c.*19+3A>G

Gene: MYBPC1 (myosin binding protein C1; plus strand). Cytogenetic location: 12q23.2.
Variant type: single nucleotide variant.
Coding change: c.*19+3A>G on transcript NM_002465.4 (MANE Select); 3 bases into the intron after 19 bases downstream of the stop codon, A replaced by G.
Molecular consequence: intron variant.
Genome position (GRCh38, 1-based): chr12:101,684,427, A>G. VCF-style: chr12-101684427-A-G. GRCh37 (hg19) VCF-style: chr12-102078205-A-G.
Other names: c.*29+3A>G (NM_206819.4, NM_206820.4, NM_206821.4 and 3 more transcripts); c.3434-1155A>G (NM_001404675.1); c.3472-1155A>G (NM_001254718.3); c.*19+3A>G (NM_001254719.3, NM_001254721.3, NM_001254720.3 and 2 more transcripts); c.3302-1155A>G (NM_001404676.1); c.3320-1155A>G (NM_001254723.3); c.3224-1155A>G (NM_001404677.1).
Identifiers: ClinVar variation 306750 (VCV000306750.9), dbSNP rs2303628, ClinGen allele CA6745441.
Genomic context (GRCh38, chr12:101,684,427, plus strand): 5'-TTCTCTTTTCCTTAGTCATTGCACAATAAGGATTTTTGAATGTATAATATCATCTAAGGT[A>G]AGCTTTCATATGGTTTTGGCATATGAAGCTTATGACTGTCATAAGCCATACCAAGCCTGT-3'